The following is an entry in ClinVar:

NM_001277115.2(DNAH11):c.5926T>C (p.Phe1976Leu)

Gene: DNAH11 (dynein axonemal heavy chain 11; plus strand). Cytogenetic location: 7p15.3.
Variant type: single nucleotide variant.
Coding change: c.5926T>C on transcript NM_001277115.2 (MANE Select); coding-DNA position 5926, T replaced by C.
Protein change: p.Phe1976Leu; replaces phenylalanine 1976 with leucine.
Molecular consequence: missense variant.
Genome position (GRCh38, 1-based): chr7:21,690,766, T>C. VCF-style: chr7-21690766-T-C. GRCh37 (hg19) VCF-style: chr7-21730384-T-C.
Other names: short protein forms F1976L.
Identifiers: ClinVar variation 4746314 (VCV004746314.1).

ClinVar aggregate classification (germline): Uncertain significance (1 of 4 stars; one submission).

Conditions:
Primary ciliary dyskinesia. Also called: Ciliary dyskinesia. Identifiers: Orphanet 244, MedGen C0008780, MONDO:0016575, HP:0012265.

gnomAD v4.1: 1 of 1,599,412 alleles (0.000063%); highest among the groups gnomAD compares: East Asian, 0.0022%; no homozygotes.

Submission:

Labcorp Genetics (formerly Invitae), Labcorp
Classification: Uncertain significance for Primary ciliary dyskinesia. Last evaluated: 2025-12-23. Review status: criteria provided, single submitter. Criteria: Invitae Variant Classification Sherloc (09022015). Collection method: clinical testing. Allele origin: germline.
Comment: This sequence change replaces phenylalanine, which is neutral and non-polar, with leucine, which is neutral and non-polar, at codon 1976 of the DNAH11 protein (p.Phe1976Leu). This variant is present in population databases (rs779061227, gnomAD 0.006%). This variant has not been reported in the literature in individuals affected with DNAH11-related conditions. Invitae Evidence Modeling of protein sequence and biophysical properties (such as structural, functional, and spatial information, amino acid conservation, physicochemical variation, residue mobility, and thermodynamic stability) indicates that this missense variant is not expected to disrupt DNAH11 protein function with a negative predictive value of 95%. In summary, the available evidence is currently insufficient to determine the role of this variant in disease. Therefore, it has been classified as a Variant of Uncertain Significance.